The following is an entry in ClinVar:

ClinVar aggregate classification (germline): Uncertain significance (1 of 4 stars; one submission).

Submission:

Labcorp Genetics (formerly Invitae), Labcorp
Classification: Uncertain significance. Last evaluated: 2025-08-24. Review status: criteria provided, single submitter. Criteria: Invitae Variant Classification Sherloc (09022015). Collection method: clinical testing. Allele origin: germline.
Comment: This sequence change replaces serine, which is neutral and polar, with asparagine, which is neutral and polar, at codon 430 of the ABCB4 protein (p.Ser430Asn). This variant is present in population databases (no rsID available, gnomAD 0.003%). This variant has not been reported in the literature in individuals affected with ABCB4-related conditions. Invitae Evidence Modeling of protein sequence and biophysical properties (such as structural, functional, and spatial information, amino acid conservation, physicochemical variation, residue mobility, and thermodynamic stability) indicates that this missense variant is not expected to disrupt ABCB4 protein function with a negative predictive value of 80%. In summary, the available evidence is currently insufficient to determine the role of this variant in disease. Therefore, it has been classified as a Variant of Uncertain Significance.

NM_000443.4(ABCB4):c.1289G>A (p.Ser430Asn)

Gene: ABCB4 (ATP binding cassette subfamily B member 4; minus strand). Cytogenetic location: 7q21.12.
Variant type: single nucleotide variant.
Coding change: c.1289G>A on transcript NM_000443.4 (MANE Select); coding-DNA position 1289, G replaced by A.
Protein change: p.Ser430Asn; replaces serine 430 with asparagine.
Molecular consequence: missense variant.
Genome position (GRCh38, 1-based): chr7:87,443,386, C>T on the plus strand (G>A on the coding strand, the complement: ABCB4 is on the minus strand). VCF-style: chr7-87443386-C-T. GRCh37 (hg19) VCF-style: chr7-87072702-C-T.
Other names: c.1289G>A, p.Ser430Asn (NM_018849.3, NM_018850.3); short protein forms S430N.
Identifiers: ClinVar variation 4770728 (VCV004770728.1).
Genomic context (GRCh38, chr7:87,443,386, plus strand): 5'-TCATCAGGGTCATAGAGCCTCTGTATCAGCTGGACCGTTGTGCTCTTCCCACAGCCACTA[C>T]TTCCAACCAGGGCCACCGTCTGCCCACTCTGCACCTTCAGGTTGAGGCCCTTCAAGATCT-3'
Protein context (NP_000434.1, residues 420-440): QSGQTVALVG[Ser430Asn]SGCGKSTTVQ